The following is an entry in ClinVar:

NM_005670.4(EPM2A):c.206_207delinsGC (p.Glu69Gly)

Genes: EPM2A (EPM2A glucan phosphatase, laforin; minus strand), EPM2A-DT (EPM2A divergent transcript; plus strand), LOC129997381 (ATAC-STARR-seq lymphoblastoid silent region 17642; plus strand). Cytogenetic location: 6q24.3.
Variant type: Indel.
Coding change: c.206_207delinsGC on transcript NM_005670.4 (MANE Select); coding-DNA positions 206 to 207, AG replaced by GC.
Protein change: p.Glu69Gly; replaces glutamic acid 69 with glycine.
Molecular consequence: missense variant. On other transcripts: 5 prime UTR variant (3), intron variant (1).
Genome position (GRCh38, 1-based): chr6:145,735,292-145,735,293, CT replaced by GC on the plus strand (AG replaced by GC on the coding strand, the reverse complement: EPM2A is on the minus strand). VCF-style: chr6-145735292-CT-GC. GRCh37 (hg19) VCF-style: chr6-146056428-CT-GC.
Other names: c.206_207delinsGC, p.Glu69Gly (NM_001018041.2, NM_001360057.2, NM_001368130.1); c.-464_-463delinsGC (NM_001360071.2); c.-418_-417delinsGC (NM_001368129.2); c.-162_-161delinsGC (NM_001368131.1); c.-114+615_-114+616delinsGC (NM_001360064.2); short protein forms E69G.
Identifiers: ClinVar variation 665213 (VCV000665213.7), dbSNP rs1583156284, ClinGen allele CA915944444.

ClinVar aggregate classification (germline): Uncertain significance (1 of 4 stars; one submission).

Conditions:
Progressive myoclonic epilepsy. Also called: Familial progressive myoclonic epilepsy; Myoclonic Epilepsies, Progressive; Myoclonus epilepsy; Progressive myoclonus epilepsy. Identifiers: Orphanet 308, Orphanet 98261, MedGen C0751778, MONDO:0020074.

Submission:

Labcorp Genetics (formerly Invitae), Labcorp
Classification: Uncertain significance for Progressive myoclonic epilepsy. Last evaluated: 2018-07-11. Review status: criteria provided, single submitter. Criteria: Invitae Variant Classification Sherloc (09022015). Collection method: clinical testing. Allele origin: germline.
Comment: In summary, the available evidence is currently insufficient to determine the role of this variant in disease. Therefore, it has been classified as a Variant of Uncertain Significance. Algorithms developed to predict the effect of missense changes on protein structure and function (SIFT, PolyPhen-2, Align-GVGD) all suggest that this variant is likely to be tolerated, but these predictions have not been confirmed by published functional studies and their clinical significance is uncertain. This variant has not been reported in the literature in individuals with EPM2A-related disease. While this variant is not present in population databases, the frequency information is unreliable, as metrics indicate poor data quality at this position in the ExAC database. This sequence change replaces glutamate with glycine at codon 69 of the EPM2A protein (p.Glu69Gly). The glutamate residue is weakly conserved and there is a moderate physicochemical difference between glutamate and glycine.